The following is an entry in ClinVar:

ClinVar aggregate classification (germline): Uncertain significance (1 of 4 stars; one submission).

gnomAD v4.1: 2 of 1,613,762 alleles (0.00012%); highest among the groups gnomAD compares: Admixed American, 0.0017%; no homozygotes.

Submission:

Ambry Genetics
Classification: Uncertain significance. Last evaluated: 2025-09-22. Review status: criteria provided, single submitter. Criteria: Ambry Variant Classification Scheme 2023. Collection method: clinical testing. Allele origin: germline.
Comment: The c.1526C>T (p.A509V) alteration is located in exon 14 (coding exon 14) of the CARS gene. This alteration results from a C to T substitution at nucleotide position 1526, causing the alanine (A) at amino acid position 509 to be replaced by a valine (V). Based on data from gnomAD, the T allele has an overall frequency of <0.001% (1/251334) total alleles studied. The highest observed frequency was 0.001% (1/113668) of European (non-Finnish) alleles. Based on insufficient or conflicting evidence, the clinical significance of this alteration remains unclear.

NM_001014437.3(CARS1):c.1526C>T (p.Ala509Val)

Gene: CARS1 (cysteinyl-tRNA synthetase 1; minus strand). Cytogenetic location: 11p15.4.
Variant type: single nucleotide variant.
Coding change: c.1526C>T on transcript NM_001014437.3 (MANE Select); coding-DNA position 1526, C replaced by T.
Protein change: p.Ala509Val; replaces alanine 509 with valine.
Molecular consequence: missense variant. On other transcripts: non-coding transcript variant (4).
Genome position (GRCh38, 1-based): chr11:3,018,511, G>A on the plus strand (C>T on the coding strand, the complement: CARS1 is on the minus strand). VCF-style: chr11-3018511-G-A. GRCh37 (hg19) VCF-style: chr11-3039741-G-A.
Other names: c.1526C>T, p.Ala509Val (NM_001194997.2); c.1316C>T, p.Ala439Val (NM_001378136.1); c.1247C>T, p.Ala416Val (NM_001378137.1, NM_001378138.1, NM_001378139.1 and 1 more transcripts); c.1001C>T, p.Ala334Val (NM_001378140.1); c.1277C>T, p.Ala426Val (NM_001751.6, NM_139273.4); short protein forms A416V, A426V, A334V, A439V, A509V.
Identifiers: ClinVar variation 4648347 (VCV004648347.1).